The following is an entry in ClinVar:

ClinVar aggregate classification (germline): Pathogenic (1 of 4 stars; one submission).

Conditions:
Duchenne muscular dystrophy (DMD). Also called: MUSCULAR DYSTROPHY, PSEUDOHYPERTROPHIC PROGRESSIVE, DUCHENNE TYPE; Duchenne Muscular Dystrophy (DMD). Identifiers: Orphanet 98896, MedGen C0013264, MONDO:0010679, OMIM 310200.

Submission:

Labcorp Genetics (formerly Invitae), Labcorp
Classification: Pathogenic for Duchenne muscular dystrophy. Last evaluated: 2020-10-14. Review status: criteria provided, single submitter. Criteria: Invitae Variant Classification Sherloc (09022015). Collection method: clinical testing. Allele origin: germline.
Comment: This sequence change affects a donor splice site in intron 12 of the DMD gene. It is expected to disrupt RNA splicing and likely results in an absent or disrupted protein product. For these reasons, this variant has been classified as Pathogenic. Donor and acceptor splice site variants typically lead to a loss of protein function (PMID: 16199547), and loss-of-function variants in DMD are known to be pathogenic (PMID: 16770791, 25007885). Algorithms developed to predict the effect of sequence changes on RNA splicing suggest that this variant may disrupt the consensus splice site, but this prediction has not been confirmed by published transcriptional studies. Disruption of this splice site has been observed in individual(s) with Duchenne muscular dystrophy (PMID: 19760747, 27122458, 19937601, 19367636). This variant is not present in population databases (ExAC no frequency).

Literature cited by the submitters: PubMed 16199547; PubMed 16770791; PubMed 25007885; PubMed 19760747; PubMed 27122458; PubMed 19937601; PubMed 19367636.

NM_004006.3(DMD):c.1482+1del

Gene: DMD (dystrophin; minus strand). Cytogenetic location: Xp21.1.
Variant type: Deletion.
Coding change: c.1482+1del on transcript NM_004006.3 (MANE Select); the canonical splice donor site of the intron after coding-DNA position 1482, one base deleted (G; older notation c.1482+1delG).
Molecular consequence: splice donor variant.
Genome position (GRCh38, 1-based): chrX:32,614,302, C deleted on the plus strand (G on the coding strand, the reverse complement: DMD is on the minus strand); the first of 2 consecutive C bases (chrX:32,614,302-32,614,303); deleting either gives the same sequence. VCF-style (leftmost placement, unchanged base first): chrX-32614301-AC-A. GRCh37 (hg19) VCF-style: chrX-32632418-AC-A.
Other names: c.1458+1del (NM_000109.4); c.1470+1del (NM_004009.3); c.1113+1del (NM_004010.3).
Identifiers: ClinVar variation 1074270 (VCV001074270.9), dbSNP rs2149349423, ClinGen allele CA2499226655.